The following is an entry in ClinVar:

ClinVar aggregate classification (germline): Conflicting classifications of pathogenicity. Review status: criteria provided, conflicting classifications (1 of 4 stars). 2 submissions from 2 submitters: Uncertain significance (1); Likely benign (1). Last evaluated 2024-10-15.

Conditions:
Inborn genetic diseases. Identifiers: MedGen C0950123, MeSH D030342.

Allele frequency attached by ClinVar (database versions not stated): TOPMed 0.00002; gnomAD 0.00003; gnomAD exomes 0.00011; ExAC 0.00023.
gnomAD v4.1: 116 of 1,551,500 alleles (0.0075%); highest among the groups gnomAD compares: South Asian, 0.056%; no homozygotes.

Submissions (2):

Labcorp Genetics (formerly Invitae), Labcorp
Classification: Uncertain significance. Last evaluated: 2024-10-15. Review status: criteria provided, single submitter. Criteria: Invitae Variant Classification Sherloc (09022015). Collection method: clinical testing. Allele origin: germline.
Comment: This sequence change replaces proline, which is neutral and non-polar, with serine, which is neutral and polar, at codon 524 of the DLL1 protein (p.Pro524Ser). This variant is present in population databases (rs553876460, gnomAD 0.04%), and has an allele count higher than expected for a pathogenic variant. This variant has not been reported in the literature in individuals affected with DLL1-related conditions. ClinVar contains an entry for this variant (Variation ID: 1350363). An algorithm developed to predict the effect of missense changes on protein structure and function (PolyPhen-2) suggests that this variant is likely to be tolerated. In summary, the available evidence is currently insufficient to determine the role of this variant in disease. Therefore, it has been classified as a Variant of Uncertain Significance.

Ambry Genetics
Classification: Likely benign for Inborn genetic diseases. Last evaluated: 2021-07-09. Review status: criteria provided, single submitter. Criteria: Ambry Variant Classification Scheme 2023. Collection method: clinical testing. Allele origin: germline.

NM_005618.4(DLL1):c.1570C>T (p.Pro524Ser)

Gene: DLL1 (delta like canonical Notch ligand 1; minus strand). Cytogenetic location: 6q27.
Variant type: single nucleotide variant.
Coding change: c.1570C>T on transcript NM_005618.4 (MANE Select); coding-DNA position 1570, C replaced by T.
Protein change: p.Pro524Ser; replaces proline 524 with serine.
Molecular consequence: missense variant.
Genome position (GRCh38, 1-based): chr6:170,283,709, G>A on the plus strand (C>T on the coding strand, the complement: DLL1 is on the minus strand). VCF-style: chr6-170283709-G-A. GRCh37 (hg19) VCF-style: chr6-170592797-G-A.
Other names: c.1570C>T (NM_005618.3); short protein forms P524S.
Identifiers: ClinVar variation 1350363 (VCV001350363.7), dbSNP rs553876460, ClinGen allele CA4106790.